The following is an entry in ClinVar:

NM_001430.5(EPAS1):c.102C>G (p.Phe34Leu)

Gene: EPAS1 (endothelial PAS domain protein 1; plus strand). Cytogenetic location: 2p21.
Variant type: single nucleotide variant.
Coding change: c.102C>G on transcript NM_001430.5 (MANE Select); coding-DNA position 102, C replaced by G.
Protein change: p.Phe34Leu; replaces phenylalanine 34 with leucine.
Molecular consequence: missense variant.
Genome position (GRCh38, 1-based): chr2:46,346,948, C>G. VCF-style: chr2-46346948-C-G. GRCh37 (hg19) VCF-style: chr2-46574087-C-G.
Other names: short protein forms F34L.
Identifiers: ClinVar variation 3275680 (VCV003275680.1).

ClinVar aggregate classification (germline): Uncertain significance (1 of 4 stars; one submission).

Conditions:
Inborn genetic diseases. Identifiers: MedGen C0950123, MeSH D030342.

Submission:

Ambry Genetics
Classification: Uncertain significance for Inborn genetic diseases. Last evaluated: 2024-03-15. Review status: criteria provided, single submitter. Criteria: Ambry Variant Classification Scheme 2023. Collection method: clinical testing. Allele origin: germline.
Comment: The p.F34L variant (also known as c.102C>G), located in coding exon 2 of the EPAS1 gene, results from a C to G substitution at nucleotide position 102. The phenylalanine at codon 34 is replaced by leucine, an amino acid with highly similar properties. This amino acid position is conserved. In addition, the in silico prediction for this alteration is inconclusive. Based on the available evidence, the clinical significance of this alteration remains unclear.